The following is an entry in ClinVar:

ClinVar aggregate classification (germline): Uncertain significance. Review status: criteria provided, multiple submitters, no conflicts (2 of 4 stars). 2 submissions from 2 submitters: Uncertain significance (2). Last evaluated 2024-12-24.

Conditions:
Inborn genetic diseases. Identifiers: MedGen C0950123, MeSH D030342.
Leukocyte adhesion deficiency type II. Also called: CDG IIc; Congenital disorder of glycosylation type 2C; CDG 2C; Leukocyte adhesion deficiency type 2; Rambam Hasharon syndrome; CONGENITAL DISORDER OF GLYCOSYLATION, TYPE IIc. Identifiers: Orphanet 2968, Orphanet 99843, MedGen C0398739, MONDO:0009953, OMIM 266265.

Allele frequency attached by ClinVar (database versions not stated): gnomAD exomes below 0.00001 and 0.00002; ExAC 0.00002; TOPMed 0.00002; gnomAD 0.00003.
gnomAD v4.1: 11 of 1,612,238 alleles (0.00068%); highest among the groups gnomAD compares: East Asian, 0.0045%; no homozygotes.

Submissions (2):

Ambry Genetics
Classification: Uncertain significance for Inborn genetic diseases. Last evaluated: 2024-12-24. Review status: criteria provided, single submitter. Criteria: Ambry Variant Classification Scheme 2023. Collection method: clinical testing. Allele origin: germline.

Labcorp Genetics (formerly Invitae), Labcorp
Classification: Uncertain significance for Leukocyte adhesion deficiency type II. Last evaluated: 2021-08-31. Review status: criteria provided, single submitter. Criteria: Invitae Variant Classification Sherloc (09022015). Collection method: clinical testing. Allele origin: germline.
Comment: This sequence change replaces threonine with methionine at codon 217 of the SLC35C1 protein (p.Thr217Met). The threonine residue is weakly conserved and there is a moderate physicochemical difference between threonine and methionine. This variant is present in population databases (rs764909821, ExAC 0.01%). This variant has not been reported in the literature in individuals affected with SLC35C1-related conditions. Algorithms developed to predict the effect of missense changes on protein structure and function are either unavailable or do not agree on the potential impact of this missense change (SIFT: "Deleterious"; PolyPhen-2: "Benign"; Align-GVGD: "Class C0"). In summary, the available evidence is currently insufficient to determine the role of this variant in disease. Therefore, it has been classified as a Variant of Uncertain Significance.

NM_018389.5(SLC35C1):c.650C>T (p.Thr217Met)

Gene: SLC35C1 (solute carrier family 35 member C1; plus strand). Cytogenetic location: 11p11.2.
Variant type: single nucleotide variant.
Coding change: c.650C>T on transcript NM_018389.5 (MANE Select); coding-DNA position 650, C replaced by T.
Protein change: p.Thr217Met; replaces threonine 217 with methionine.
Molecular consequence: missense variant.
Genome position (GRCh38, 1-based): chr11:45,810,890, C>T. VCF-style: chr11-45810890-C-T. GRCh37 (hg19) VCF-style: chr11-45832441-C-T.
Other names: c.611C>T, p.Thr204Met (NM_001145265.2, NM_001145266.2); short protein forms T204M, T217M.
Identifiers: ClinVar variation 962231 (VCV000962231.7), dbSNP rs764909821, ClinGen allele CA5958303.